The following is an entry in ClinVar:

ClinVar aggregate classification (germline): Likely pathogenic (1 of 4 stars; one submission).

Submission:

Labcorp Genetics (formerly Invitae), Labcorp
Classification: Likely pathogenic. Last evaluated: 2024-01-19. Review status: criteria provided, single submitter. Criteria: Invitae Variant Classification Sherloc (09022015). Collection method: clinical testing. Allele origin: germline.
Comment: This sequence change affects a donor splice site in intron 23 of the EYS gene. It is expected to disrupt RNA splicing. Variants that disrupt the donor or acceptor splice site typically lead to a loss of protein function (PMID: 16199547), and loss-of-function variants in EYS are known to be pathogenic (PMID: 18836446, 20333770). This variant is not present in population databases (gnomAD no frequency). This variant has not been reported in the literature in individuals affected with EYS-related conditions. Algorithms developed to predict the effect of sequence changes on RNA splicing suggest that this variant may disrupt the consensus splice site. In summary, the currently available evidence indicates that the variant is pathogenic, but additional data are needed to prove that conclusively. Therefore, this variant has been classified as Likely Pathogenic.

Literature cited by the submitters: PubMed 16199547; PubMed 18836446; PubMed 20333770.

NM_001142800.2(EYS):c.3568+1G>C

Gene: EYS (EGF-like photoreceptor maintenance factor; minus strand). Cytogenetic location: 6q12.
Variant type: single nucleotide variant.
Coding change: c.3568+1G>C on transcript NM_001142800.2 (MANE Select); the canonical splice donor site of the intron after coding-DNA position 3568, G replaced by C.
Molecular consequence: splice donor variant.
Genome position (GRCh38, 1-based): chr6:64,626,120, C>G on the plus strand (G>C on the coding strand, the complement: EYS is on the minus strand). VCF-style: chr6-64626120-C-G. GRCh37 (hg19) VCF-style: chr6-65336013-C-G.
Other names: c.3568+1G>C (NM_001292009.2).
Identifiers: ClinVar variation 2710301 (VCV002710301.3), dbSNP rs1767600988, ClinGen allele CA364785248.